The following is an entry in ClinVar:

NM_000170.3(GLDC):c.466G>C (p.Gly156Arg)

Gene: GLDC (glycine decarboxylase; minus strand). Cytogenetic location: 9p24.1.
Variant type: single nucleotide variant.
Coding change: c.466G>C on transcript NM_000170.3 (MANE Select); coding-DNA position 466, G replaced by C.
Protein change: p.Gly156Arg; replaces glycine 156 with arginine.
Molecular consequence: missense variant.
Genome position (GRCh38, 1-based): chr9:6,620,188, C>G on the plus strand (G>C on the coding strand, the complement: GLDC is on the minus strand). VCF-style: chr9-6620188-C-G. GRCh37 (hg19) VCF-style: chr9-6620188-C-G.
Other names: short protein forms G156R.
Identifiers: ClinVar variation 1412613 (VCV001412613.6), dbSNP rs1819058509, ClinGen allele CA372879070.

ClinVar aggregate classification (germline): Pathogenic (1 of 4 stars; one submission).

Conditions:
Glycine encephalopathy. Also called: Nonketotic hyperglycinemia; Non-ketotic hyperglycinemia. Identifiers: Orphanet 407, MedGen C0751748, MONDO:0011612, HP:0008288.

Submission:

Labcorp Genetics (formerly Invitae), Labcorp
Classification: Pathogenic for Glycine encephalopathy. Last evaluated: 2022-10-14. Review status: criteria provided, single submitter. Criteria: Invitae Variant Classification Sherloc (09022015). Collection method: clinical testing. Allele origin: germline.
Comment: This missense change has been observed in individual(s) with nonketotic hyperglycinemia (PMID: 27362913). In at least one individual the data is consistent with being in trans (on the opposite chromosome) from a pathogenic variant. For these reasons, this variant has been classified as Pathogenic. Advanced modeling of protein sequence and biophysical properties (such as structural, functional, and spatial information, amino acid conservation, physicochemical variation, residue mobility, and thermodynamic stability) has been performed at Invitae for this missense variant, however the output from this modeling did not meet the statistical confidence thresholds required to predict the impact of this variant on GLDC protein function. ClinVar contains an entry for this variant (Variation ID: 1412613). This variant is not present in population databases (gnomAD no frequency). This sequence change replaces glycine, which is neutral and non-polar, with arginine, which is basic and polar, at codon 156 of the GLDC protein (p.Gly156Arg).

Literature cited by the submitters: PubMed 27362913.